The following is an entry in ClinVar:

ClinVar aggregate classification (germline): Likely benign. Review status: criteria provided, multiple submitters, no conflicts (2 of 4 stars). 3 submissions from 3 submitters: Likely benign (2). 1 of the submissions does not count toward it. Last evaluated 2024-11-17.

Conditions:
TET3-related disorder. Also called: TET3-Related Disease; TET3-related condition.

Allele frequency attached by ClinVar (database versions not stated): ExAC 0.00056; TOPMed 0.00066; gnomAD 0.00078; ESP Exome Variant Server 0.00087; gnomAD exomes 0.00146.
gnomAD v4.1: 2,281 of 1,614,020 alleles (0.14%); highest among the groups gnomAD compares: Non-Finnish European, 0.18%; 5 homozygotes.

Submissions (3):

Blueprint Genetics
Classification: Likely benign. Last evaluated: 2024-11-17. Review status: criteria provided, single submitter. Criteria: ACMG Guidelines, 2015. Collection method: clinical testing. Allele origin: germline.

CeGaT Center for Human Genetics Tuebingen
Classification: Likely benign. Last evaluated: 2024-10-01. Review status: criteria provided, single submitter. Criteria: CeGaT Center For Human Genetics Tuebingen Variant Classification Criteria Version 2. Collection method: clinical testing. Allele origin: germline. Affected: yes. Observed: 2 variant alleles.
Comment: TET3: BP4, BP7, BS1

PreventionGenetics, part of Exact Sciences
Classification: Likely benign for TET3-related condition. Last evaluated: 2022-06-15. Review status: no assertion criteria provided. Collection method: clinical testing. Allele origin: germline. Not counted in ClinVar's aggregate classification.
Comment: This variant is classified as likely benign based on ACMG/AMP sequence variant interpretation guidelines (Richards et al. 2015 PMID: 25741868, with internal and published modifications).

NM_001287491.2(TET3):c.1101C>T (p.Ser367=)

Gene: TET3 (tet methylcytosine dioxygenase 3; plus strand). Cytogenetic location: 2p13.1.
Variant type: single nucleotide variant.
Coding change: c.1101C>T on transcript NM_001287491.2 (MANE Select); coding-DNA position 1101, C replaced by T.
Protein change: p.Ser367=; no amino-acid change (serine 367 retained).
Molecular consequence: synonymous variant.
Genome position (GRCh38, 1-based): chr2:74,047,018, C>T. VCF-style: chr2-74047018-C-T. GRCh37 (hg19) VCF-style: chr2-74274145-C-T.
Other names: c.822C>T, p.Ser274= (NM_001366022.1); c.696C>T, p.Ser232= (NM_144993.1); c.1101C>T (NM_001287491.1).
Identifiers: ClinVar variation 2651036 (VCV002651036.26), dbSNP rs370396109, ClinGen allele CA1718524.